The following is an entry in ClinVar:

ClinVar aggregate classification (germline): Conflicting classifications of pathogenicity. Review status: criteria provided, conflicting classifications (1 of 4 stars). 7 submissions from 7 submitters: Uncertain significance (1); Likely benign (6). Last evaluated 2025-12-16.

Conditions:
Inborn genetic diseases. Identifiers: MedGen C0950123, MeSH D030342.
Wilson disease (WND). Also called: Wilson's disease. Identifiers: Orphanet 905, MedGen C0019202, MONDO:0010200, OMIM 277900. Disease mechanism: loss of function.

Allele frequency attached by ClinVar (database versions not stated): TOPMed 0.00005.
gnomAD v4.1: 46 of 1,611,370 alleles (0.0029%); highest among the groups gnomAD compares: African/African-American, 0.019%; no homozygotes.

Submissions (7):

Labcorp Genetics (formerly Invitae), Labcorp
Classification: Likely benign for Wilson disease. Last evaluated: 2025-12-16. Review status: criteria provided, single submitter. Criteria: Invitae Variant Classification Sherloc (09022015). Collection method: clinical testing. Allele origin: germline.

All of Us Research Program, National Institutes of Health
Classification: Likely benign for Wilson disease. Last evaluated: 2024-01-11. Review status: criteria provided, single submitter. Criteria: ACMG Guidelines, 2015. Collection method: clinical testing. Allele origin: germline. Inheritance: Autosomal recessive inheritance. Observed: 6 variant alleles, 6 heterozygotes.
Comment: This study involves interpretation of variants in research participants for the purpose of population health screening. Participant phenotype was not available at the time of variant classification. Additional details can be found in publication PMID: 35346344, PMCID: PMC8962531

Blueprint Genetics
Classification: Likely benign. Last evaluated: 2023-05-22. Review status: criteria provided, single submitter. Criteria: ACMG Guidelines, 2015. Collection method: clinical testing. Allele origin: germline.

Ambry Genetics
Classification: Likely benign for Inborn genetic diseases. Last evaluated: 2022-08-14. Review status: criteria provided, single submitter. Criteria: Ambry Variant Classification Scheme 2023. Collection method: clinical testing. Allele origin: germline.

Color Diagnostics, LLC DBA Color Health
Classification: Likely benign for Wilson disease. Last evaluated: 2022-04-28. Review status: criteria provided, single submitter. Criteria: ACMG Guidelines, 2015. Collection method: clinical testing. Allele origin: germline.

Genome-Nilou Lab
Classification: Likely benign for Wilson disease. Last evaluated: 2021-08-10. Review status: criteria provided, single submitter. Criteria: ACMG Guidelines, 2015. Collection method: clinical testing. Allele origin: germline. Affected: no.

Illumina Laboratory Services, Illumina
Classification: Uncertain significance for Wilson disease. Last evaluated: 2018-01-12. Review status: criteria provided, single submitter. Criteria: ICSL Variant Classification Criteria 13 December 2019. Collection method: clinical testing. Allele origin: germline.

NM_000053.4(ATP7B):c.2997C>T (p.Thr999=)

Gene: ATP7B (ATPase copper transporting beta; minus strand). Cytogenetic location: 13q14.3.
Variant type: single nucleotide variant.
Coding change: c.2997C>T on transcript NM_000053.4 (MANE Select); coding-DNA position 2997, C replaced by T.
Protein change: p.Thr999=; no amino-acid change (threonine 999 retained).
Molecular consequence: synonymous variant.
Genome position (GRCh38, 1-based): chr13:51,946,347, G>A on the plus strand (C>T on the coding strand, the complement: ATP7B is on the minus strand). VCF-style: chr13-51946347-G-A. GRCh37 (hg19) VCF-style: chr13-52520483-G-A.
Other names: c.2376C>T, p.Thr792= (NM_001005918.3); c.2664C>T, p.Thr888= (NM_001243182.2); c.2763C>T, p.Thr921= (NM_001330578.2); c.2745C>T, p.Thr915= (NM_001330579.2).
Identifiers: ClinVar variation 881813 (VCV000881813.19), dbSNP rs199581971, ClinGen allele CA6988842.